The following is an entry in ClinVar:

NM_176787.5(PIGN):c.873G>C (p.Lys291Asn)

Gene: PIGN (phosphatidylinositol glycan anchor biosynthesis class N; minus strand). Cytogenetic location: 18q21.33.
Variant type: single nucleotide variant.
Coding change: c.873G>C on transcript NM_176787.5 (MANE Select); coding-DNA position 873, G replaced by C.
Protein change: p.Lys291Asn; replaces lysine 291 with asparagine.
Molecular consequence: missense variant.
Genome position (GRCh38, 1-based): chr18:62,145,958, C>G on the plus strand (G>C on the coding strand, the complement: PIGN is on the minus strand). VCF-style: chr18-62145958-C-G. GRCh37 (hg19) VCF-style: chr18-59813191-C-G.
Other names: c.873G>C, p.Lys291Asn (NM_012327.6); short protein forms K291N.
Identifiers: ClinVar variation 837950 (VCV000837950.7), dbSNP rs755735717, ClinGen allele CA8982474.

ClinVar aggregate classification (germline): Uncertain significance (1 of 4 stars; one submission).

Conditions:
Multiple congenital anomalies-hypotonia-seizures syndrome 1 (MCAHS1). Also called: PIGN-CDG; Congenital disorder of glycosylation due to PIGN deficiency; GLYCOSYLPHOSPHATIDYLINOSITOL BIOSYNTHESIS DEFECT 3. Identifiers: Orphanet 280633, MedGen C3279775, MONDO:0013563, OMIM 614080.

Allele frequency attached by ClinVar (database versions not stated): TOPMed below 0.00001; ExAC 0.00002; gnomAD exomes 0.00001.
gnomAD v4.1: 2 of 1,609,330 alleles (0.00012%); highest among the groups gnomAD compares: Admixed American, 0.0033%; no homozygotes.

Submission:

Labcorp Genetics (formerly Invitae), Labcorp
Classification: Uncertain significance for Multiple congenital anomalies-hypotonia-seizures syndrome 1. Last evaluated: 2021-08-28. Review status: criteria provided, single submitter. Criteria: Invitae Variant Classification Sherloc (09022015). Collection method: clinical testing. Allele origin: germline.
Comment: This sequence change replaces lysine with asparagine at codon 291 of the PIGN protein (p.Lys291Asn). The lysine residue is moderately conserved and there is a moderate physicochemical difference between lysine and asparagine. This variant is present in population databases (rs755735717, ExAC 0.02%). This variant has not been reported in the literature in individuals affected with PIGN-related conditions. Algorithms developed to predict the effect of missense changes on protein structure and function output the following: SIFT: "Tolerated"; PolyPhen-2: "Benign"; Align-GVGD: "Class C0". The asparagine amino acid residue is found in multiple mammalian species, which suggests that this missense change does not adversely affect protein function. In summary, the available evidence is currently insufficient to determine the role of this variant in disease. Therefore, it has been classified as a Variant of Uncertain Significance.